The following is an entry in ClinVar:

NM_004281.4(BAG3):c.755G>T (p.Gly252Val)

Gene: BAG3 (BAG cochaperone 3; plus strand). Cytogenetic location: 10q26.11.
Variant type: single nucleotide variant.
Coding change: c.755G>T on transcript NM_004281.4 (MANE Select); coding-DNA position 755, G replaced by T.
Protein change: p.Gly252Val; replaces glycine 252 with valine.
Molecular consequence: missense variant.
Genome position (GRCh38, 1-based): chr10:119,672,502, G>T. VCF-style: chr10-119672502-G-T. GRCh37 (hg19) VCF-style: chr10-121432014-G-T.
Other names: short protein forms G252V.
Identifiers: ClinVar variation 4783144 (VCV004783144.1).

ClinVar aggregate classification (germline): Uncertain significance (1 of 4 stars; one submission).

Conditions:
Dilated cardiomyopathy 1HH (CMD1HH). Identifiers: Orphanet 154, MedGen C3151293, MONDO:0013479, OMIM 613881.
Myofibrillar myopathy 6. Identifiers: Orphanet 199340, MedGen C2751831, MONDO:0013061, OMIM 612954.

Submission:

Labcorp Genetics (formerly Invitae), Labcorp
Classification: Uncertain significance for Dilated cardiomyopathy 1HH; Myofibrillar myopathy 6. Last evaluated: 2025-11-21. Review status: criteria provided, single submitter. Criteria: Invitae Variant Classification Sherloc (09022015). Collection method: clinical testing. Allele origin: germline.
Comment: This sequence change replaces glycine, which is neutral and non-polar, with valine, which is neutral and non-polar, at codon 252 of the BAG3 protein (p.Gly252Val). This variant is not present in population databases (gnomAD no frequency). This variant has not been reported in the literature in individuals affected with BAG3-related conditions. Invitae Evidence Modeling of protein sequence and biophysical properties (such as structural, functional, and spatial information, amino acid conservation, physicochemical variation, residue mobility, and thermodynamic stability) indicates that this missense variant is not expected to disrupt BAG3 protein function with a negative predictive value of 80%. In summary, the available evidence is currently insufficient to determine the role of this variant in disease. Therefore, it has been classified as a Variant of Uncertain Significance.